The following is an entry in ClinVar:

ClinVar aggregate classification (germline): Uncertain significance (1 of 4 stars; one submission).

gnomAD v4.1: 1 of 1,613,956 alleles (0.000062%); highest among the groups gnomAD compares: African/African-American, 0.0013%; no homozygotes.

Submission:

GeneDx
Classification: Uncertain significance. Last evaluated: 2022-08-17. Review status: criteria provided, single submitter. Criteria: GeneDx Variant Classification Process June 2021. Collection method: clinical testing. Allele origin: germline. Affected: yes.
Comment: Not observed at significant frequency in large population cohorts (gnomAD); In silico analysis supports that this missense variant has a deleterious effect on protein structure/function; Has not been previously published as pathogenic or benign to our knowledge

NM_001164760.2(PRKAR1B):c.522C>A (p.Phe174Leu)

Genes: PRKAR1B (protein kinase cAMP-dependent type I regulatory subunit beta; minus strand), PRKAR1B-AS1 (PRKAR1B antisense RNA 1; plus strand). Cytogenetic location: 7p22.3.
Variant type: single nucleotide variant.
Coding change: c.522C>A on transcript NM_001164760.2 (MANE Select); coding-DNA position 522, C replaced by A.
Protein change: p.Phe174Leu; replaces phenylalanine 174 with leucine.
Molecular consequence: missense variant.
Genome position (GRCh38, 1-based): chr7:606,220, G>T on the plus strand (C>A on the coding strand, the complement: PRKAR1B is on the minus strand). VCF-style: chr7-606220-G-T. GRCh37 (hg19) VCF-style: chr7-645857-G-T.
Other names: c.522C>A, p.Phe174Leu (NM_001164758.2, NM_001164759.1, NM_001164761.2 and 2 more transcripts); short protein forms F174L.
Identifiers: ClinVar variation 2430509 (VCV002430509.1), dbSNP rs1409807831, ClinGen allele CA366532819.